The following is an entry in ClinVar:

ClinVar aggregate classification (germline): Pathogenic/Likely pathogenic. Review status: criteria provided, multiple submitters, no conflicts (2 of 4 stars). 6 submissions from 6 submitters: Pathogenic (4); Likely pathogenic (1). 1 of the submissions does not count toward it. Last evaluated 2023-12-13.

Conditions:
Breast-ovarian cancer, familial, susceptibility to, 1 (BROVCA1). Also called: BRCA1 Hereditary Breast and Ovarian Cancer; OVARIAN CANCER, SUSCEPTIBILITY TO. Identifiers: Orphanet 145, MedGen C2676676, MONDO:0011450, OMIM 604370. Disease mechanism: loss of function.
Hereditary cancer-predisposing syndrome. Also called: Hereditary Cancer Syndrome; Hereditary neoplastic syndrome; Neoplastic Syndromes, Hereditary; Tumor predisposition. Identifiers: Orphanet 140162, MedGen C0027672, MeSH D009386, MONDO:0015356.
Hereditary breast ovarian cancer syndrome. Also called: BRCA1- and BRCA2-Associated Hereditary Breast and Ovarian Cancer; Hereditary breast and ovarian cancer syndrome; Hereditary breast and ovarian cancer syndrome (HBOC); Breast and ovarian cancer; Hereditary breast and/or ovarian cancer syndrome; Hereditary breast and ovarian cancer. Identifiers: Orphanet 145, MedGen C0677776, MeSH D061325, MONDO:0003582. Disease mechanism: loss of function.

Submissions (6):

All of Us Research Program, National Institutes of Health
Classification: Pathogenic for Breast-ovarian cancer, familial, susceptibility to, 1. Last evaluated: 2023-12-13. Review status: criteria provided, single submitter. Criteria: ACMG Guidelines, 2015. Collection method: clinical testing. Allele origin: germline. Inheritance: Autosomal dominant inheritance. Observed: 1 variant allele, 1 heterozygote.
Comment: This variant inserts two nucleotides in exon 11 of the BRCA1 gene, creating a frameshift and premature translation stop signal. This variant is expected to result in an absent or non-functional protein product. To our knowledge, this variant has not been reported in individuals affected with BRCA1-related disorders in the literature. This variant has not been identified in the general population by the Genome Aggregation Database (gnomAD). Loss of BRCA1 function is a known mechanism of disease. Based on the available evidence, this variant is classified as Pathogenic.

This study involves interpretation of variants in research participants for the purpose of population health screening. Participant phenotype was not available at the time of variant classification. Additional details can be found in publication PMID: 35346344, PMCID: PMC8962531

Ambry Genetics
Classification: Pathogenic for Hereditary cancer-predisposing syndrome. Last evaluated: 2023-01-30. Review status: criteria provided, single submitter. Criteria: Ambry Variant Classification Scheme 2023. Collection method: clinical testing. Allele origin: germline.
Comment: The c.4116_4117insTT pathogenic mutation, located in coding exon 10 of the BRCA1 gene, results from an insertion of two nucleotides at position 4116, causing a translational frameshift with a predicted alternate stop codon (p.E1373Lfs*21). This variant is considered to be rare based on population cohorts in the Genome Aggregation Database (gnomAD). This alteration is expected to result in loss of function by premature protein truncation or nonsense-mediated mRNA decay. As such, this alteration is interpreted as a disease-causing mutation.

Labcorp Genetics (formerly Invitae), Labcorp
Classification: Pathogenic for Hereditary breast ovarian cancer syndrome. Last evaluated: 2022-04-18. Review status: criteria provided, single submitter. Criteria: Invitae Variant Classification Sherloc (09022015). Collection method: clinical testing. Allele origin: germline.
Comment: For these reasons, this variant has been classified as Pathogenic. ClinVar contains an entry for this variant (Variation ID: 91624). This variant has not been reported in the literature in individuals affected with BRCA1-related conditions. This variant is not present in population databases (gnomAD no frequency). This sequence change creates a premature translational stop signal (p.Glu1373Leufs*21) in the BRCA1 gene. It is expected to result in an absent or disrupted protein product. Loss-of-function variants in BRCA1 are known to be pathogenic (PMID: 20104584).

Women's Health and Genetics/Laboratory Corporation of America, LabCorp
Classification: Likely pathogenic for Hereditary breast and ovarian cancer syndrome. Last evaluated: 2020-10-19. Review status: criteria provided, single submitter. Criteria: LabCorp Variant Classification Summary - May 2015. Collection method: clinical testing. Allele origin: germline.
Comment: Variant summary: BRCA1 c.4116_4117insTT (p.Glu1373LeufsX21) results in a premature termination codon, predicted to cause a truncation of the encoded protein or absence of the protein due to nonsense mediated decay, which are commonly known mechanisms for disease. Truncations downstream of this position have been classified as pathogenic by our laboratory. The variant was absent in 248774 control chromosomes. To our knowledge, no occurrence of c.4116_4117insTT in individuals affected with Hereditary Breast And Ovarian Cancer Syndrome and no experimental evidence demonstrating its impact on protein function have been reported. One clinical diagnostic laboratory has submitted clinical-significance assessments for this variant to ClinVar after 2014 without evidence for independent evaluation. One laboratory classified the variant as pathogenic. Based on the evidence outlined above, the variant was classified as likely pathogenic.

GeneDx
Classification: Pathogenic. Last evaluated: 2016-10-03. Review status: criteria provided, single submitter. Criteria: GeneDx Variant Classification (06012015). Collection method: clinical testing. Allele origin: germline. Affected: yes.
Comment: This insertion of two nucleotides in BRCA1 is denoted c.4116_4117insTT at the cDNA level and p.Glu1373LeufsX21 (E1373LfsX21) at the protein level. The normal sequence, with the bases that are inserted in braces, is GTGT[TT]GAGA. The insertion causes a frameshift which changes a Glutamic Acid to a Leucine at codon 1373, and creates a premature stop codon at position 21 of the new reading frame. Although this variant has not, to our knowledge, been reported in the literature, it is predicted to cause loss of normal protein function through either protein truncation or nonsense-mediated mRNA decay. We consider this variant to be pathogenic.

Sharing Clinical Reports Project (SCRP)
Classification: Pathogenic for Breast-ovarian cancer, familial 1. Last evaluated: 2008-12-03. Review status: no assertion criteria provided. Collection method: clinical testing. Allele origin: germline. Not counted in ClinVar's aggregate classification.

Literature cited by the submitters: PubMed 20104584 (cited by Labcorp Genetics (formerly Invitae), Labcorp).

NM_007294.4(BRCA1):c.4116_4117insTT (p.Glu1373fs)

Gene: BRCA1 (BRCA1 DNA repair associated; minus strand). Cytogenetic location: 17q21.31.
Variant type: Insertion.
Coding change: c.4116_4117insTT on transcript NM_007294.4 (MANE Select); coding-DNA positions 4116 to 4117, TT inserted.
Protein change: p.Glu1373fs; shifts the reading frame from glutamic acid 1373.
Molecular consequence: frameshift variant. On other transcripts: non-coding transcript variant (1).
Genome position: GRCh38 VCF-style: chr17-43091012-C-CAA. GRCh37 (hg19) VCF-style: chr17-41243029-C-CAA.
Other names: 4235insTT; c.3902_3903insTT, p.Glu1302Leufs (NM_001407571.1, NM_001407853.1, NM_001407894.1 and 9 more transcripts); c.4115_4116insTT, p.Glu1373Leufs (NM_001407581.1, NM_001407582.1, NM_001407583.1 and 29 more transcripts); c.4112_4113insTT, p.Glu1372Leufs (NM_001407587.1, NM_001407590.1, NM_001407591.1 and 22 more transcripts); c.4106_4107insTT, p.Glu1370Leufs (NM_001407646.1, NM_001407647.1); c.3992_3993insTT, p.Glu1332Leufs (NM_001407648.1, NM_001407664.1, NM_001407665.1 and 19 more transcripts); c.3989_3990insTT, p.Glu1331Leufs (NM_001407649.1, NM_001407670.1, NM_001407671.1 and 11 more transcripts); c.4037_4038insTT, p.Glu1347Leufs (NM_001407653.1, NM_001407654.1, NM_001407655.1 and 4 more transcripts); and 45 more; short protein forms E1373fs, E270fs, E1326fs.
Identifiers: ClinVar variation 91624 (VCV000091624.13), dbSNP rs398122682, ClinGen allele CA002639.